The following is an entry in ClinVar:

NM_001972.4(ELANE):c.244G>C (p.Val82Leu)

Gene: ELANE (elastase, neutrophil expressed; plus strand). Cytogenetic location: 19p13.3.
Variant type: single nucleotide variant.
Coding change: c.244G>C on transcript NM_001972.4 (MANE Select); coding-DNA position 244, G replaced by C.
Protein change: p.Val82Leu; replaces valine 82 with leucine.
Molecular consequence: missense variant.
Genome position (GRCh38, 1-based): chr19:853,281, G>C. VCF-style: chr19-853281-G-C. GRCh37 (hg19) VCF-style: chr19-853281-G-C.
Other names: short protein forms V82L.
Identifiers: ClinVar variation 4248059 (VCV004248059.1).

ClinVar aggregate classification (germline): Uncertain significance (1 of 4 stars; one submission).

Conditions:
Inborn genetic diseases. Identifiers: MedGen C0950123, MeSH D030342.

gnomAD v4.1: 1 of 1,607,002 alleles (0.000062%); no homozygotes.

Submission:

Ambry Genetics
Classification: Uncertain significance for Inborn genetic diseases. Last evaluated: 2025-06-28. Review status: criteria provided, single submitter. Criteria: Ambry Variant Classification Scheme 2023. Collection method: clinical testing. Allele origin: germline.
Comment: The p.V82L variant (also known as c.244G>C), located in coding exon 3 of the ELANE gene, results from a G to C substitution at nucleotide position 244. The valine at codon 82 is replaced by leucine, an amino acid with highly similar properties. This amino acid position is conserved. In addition, the in silico prediction for this alteration is inconclusive. Based on the available evidence, the clinical significance of this variant remains unclear.